The following is an entry in ClinVar:

NM_001430.5(EPAS1):c.1411A>G (p.Ser471Gly)

Gene: EPAS1 (endothelial PAS domain protein 1; plus strand). Cytogenetic location: 2p21.
Variant type: single nucleotide variant.
Coding change: c.1411A>G on transcript NM_001430.5 (MANE Select); coding-DNA position 1411, A replaced by G.
Protein change: p.Ser471Gly; replaces serine 471 with glycine.
Molecular consequence: missense variant.
Genome position (GRCh38, 1-based): chr2:46,378,055, A>G. VCF-style: chr2-46378055-A-G. GRCh37 (hg19) VCF-style: chr2-46605194-A-G.
Other names: short protein forms S471G.
Identifiers: ClinVar variation 1772039 (VCV001772039.2), dbSNP rs2546473717, ClinGen allele CA346704022.
Genomic context (GRCh38, chr2:46,378,055, plus strand): 5'-GCTGGGAGCCTGCCTGCCTTCACCGTGCCCCAGGCAGCTGCCCCGGGCAGCACCACCCCC[A>G]GTGCCACCAGCAGCAGCAGCAGCTGCTCCACGGTGAGCAGCCCTCTTATGGCGAGGACAC-3'
Protein context (NP_001421.2, residues 461-481): QAAAPGSTTP[Ser471Gly]ATSSSSSCST

ClinVar aggregate classification (germline): Uncertain significance (1 of 4 stars; one submission).

Conditions:
Inborn genetic diseases. Identifiers: MedGen C0950123, MeSH D030342.

Submission:

Ambry Genetics
Classification: Uncertain significance for Inborn genetic diseases. Last evaluated: 2022-03-06. Review status: criteria provided, single submitter. Criteria: Ambry Variant Classification Scheme 2023. Collection method: clinical testing. Allele origin: germline.
Comment: The p.S471G variant (also known as c.1411A>G), located in coding exon 10 of the EPAS1 gene, results from an A to G substitution at nucleotide position 1411. The serine at codon 471 is replaced by glycine, an amino acid with similar properties. This amino acid position is conserved. In addition, this alteration is predicted to be tolerated by in silico analysis. Since supporting evidence is limited at this time, the clinical significance of this alteration remains unclear.